The following is an entry in ClinVar:

NM_001330260.2(SCN8A):c.2708A>C (p.Glu903Ala)

Gene: SCN8A (sodium voltage-gated channel alpha subunit 8; plus strand). Cytogenetic location: 12q13.13.
Variant type: single nucleotide variant.
Coding change: c.2708A>C on transcript NM_001330260.2 (MANE Select); coding-DNA position 2708, A replaced by C.
Protein change: p.Glu903Ala; replaces glutamic acid 903 with alanine.
Molecular consequence: missense variant.
Genome position (GRCh38, 1-based): chr12:51,765,834, A>C. VCF-style: chr12-51765834-A-C. GRCh37 (hg19) VCF-style: chr12-52159618-A-C.
Other names: c.2708A>C, p.Glu903Ala (NM_001177984.3, NM_001369788.1, NM_014191.4); short protein forms E903A.
Identifiers: ClinVar variation 1403978 (VCV001403978.9), dbSNP rs2138862872, ClinGen allele CA384888030.
Genomic context (GRCh38, chr12:51,765,834, plus strand): 5'-CCATTATTGTCTTCATCTTTGCCGTGGTGGGGATGCAACTCTTTGGAAAAAGCTACAAAG[A>C]GTGTGTCTGCAAGATCAACCAGGACTGTGAACTCCCTCGCTGGCATATGCATGACTTTTT-3'
Protein context (NP_001317189.1, residues 893-913): GMQLFGKSYK[Glu903Ala]CVCKINQDCE

ClinVar aggregate classification (germline): Uncertain significance (1 of 4 stars; one submission).

Conditions:
Early-infantile DEE. Also called: Ohtahara syndrome; Early infantile epileptic encephalopathy with suppression bursts; Early infantile epileptic encephalopathy. Identifiers: Orphanet 1934, MedGen C0393706, MONDO:0800491.

Submission:

Labcorp Genetics (formerly Invitae), Labcorp
Classification: Uncertain significance for Early-infantile DEE. Last evaluated: 2021-08-03. Review status: criteria provided, single submitter. Criteria: Invitae Variant Classification Sherloc (09022015). Collection method: clinical testing. Allele origin: germline.
Comment: In summary, the available evidence is currently insufficient to determine the role of this variant in disease. Therefore, it has been classified as a Variant of Uncertain Significance. Algorithms developed to predict the effect of missense changes on protein structure and function are either unavailable or do not agree on the potential impact of this missense change (SIFT: "Deleterious"; PolyPhen-2: "Benign"; Align-GVGD: "Class C0"). This variant has not been reported in the literature in individuals affected with SCN8A-related conditions. This variant is not present in population databases (ExAC no frequency). This sequence change replaces glutamic acid with alanine at codon 903 of the SCN8A protein (p.Glu903Ala). The glutamic acid residue is highly conserved and there is a moderate physicochemical difference between glutamic acid and alanine.